The following is an entry in ClinVar:

ClinVar aggregate classification (germline): Uncertain significance. Review status: criteria provided, multiple submitters, no conflicts (2 of 4 stars). 5 submissions from 5 submitters: Uncertain significance (5). Last evaluated 2025-09-23.

Conditions:
Hereditary cancer-predisposing syndrome. Also called: Tumor predisposition; Neoplastic Syndromes, Hereditary; Hereditary neoplastic syndrome; Hereditary Cancer Syndrome. Identifiers: Orphanet 140162, MedGen C0027672, MeSH D009386, MONDO:0015356.
Familial adenomatous polyposis 1 (FAP1). Also called: POLYPOSIS, ADENOMATOUS INTESTINAL; FAMILIAL ADENOMATOUS POLYPOSIS 1, ATTENUATED. Identifiers: MedGen C2713442, MONDO:0021056, OMIM 175100. Disease mechanism: loss of function.

Allele frequency attached by ClinVar (database versions not stated): gnomAD exomes below 0.00001; TOPMed 0.00001.

Submissions (5):

Ambry Genetics
Classification: Uncertain significance for Hereditary cancer-predisposing syndrome. Last evaluated: 2025-09-23. Review status: criteria provided, single submitter. Criteria: Ambry Variant Classification Scheme 2023. Collection method: clinical testing. Allele origin: germline.
Comment: The p.H298Y variant (also known as c.892C>T), located in coding exon 8 of the APC gene, results from a C to T substitution at nucleotide position 892. The histidine at codon 298 is replaced by tyrosine, an amino acid with similar properties. This amino acid position is not well conserved in available vertebrate species. In addition, in silico predictors for this gene do not accurately predict pathogenicity. Missense alterations in APC are not a common cause of disease (Spier I et al. Genet Med. 2024 Feb;26(2):100992). Based on the available evidence, the clinical significance of this variant remains unclear.

Quest Diagnostics Nichols Institute San Juan Capistrano
Classification: Uncertain significance. Last evaluated: 2025-04-29. Review status: criteria provided, single submitter. Criteria: Quest Diagnostics criteria. Collection method: clinical testing. Allele origin: unknown.
Comment: The APC c.892C>T (p.His298Tyr) variant has been reported in the published literature in at least one individual with colorectal cancer (PMID: 29245953 (2017)). This variant has not been reported in large, multi-ethnic general populations (Genome Aggregation Database). Analysis of this variant using bioinformatics tools for the prediction of the effect of amino acid changes on protein structure and function yielded predictions that this variant is benign. Based on the available information, we are unable to determine the clinical significance of this variant.

Baylor Genetics
Classification: Uncertain significance for Familial adenomatous polyposis 1. Last evaluated: 2023-07-21. Review status: criteria provided, single submitter. Criteria: ACMG Guidelines, 2015. Collection method: clinical testing. Allele origin: unknown.

Labcorp Genetics (formerly Invitae), Labcorp
Classification: Uncertain significance for Familial adenomatous polyposis 1. Last evaluated: 2022-07-15. Review status: criteria provided, single submitter. Criteria: Invitae Variant Classification Sherloc (09022015). Collection method: clinical testing. Allele origin: germline.
Comment: This variant is not present in population databases (gnomAD no frequency). This variant has not been reported in the literature in individuals affected with APC-related conditions. ClinVar contains an entry for this variant (Variation ID: 630473). Algorithms developed to predict the effect of missense changes on protein structure and function output the following: SIFT: "Tolerated"; PolyPhen-2: "Benign"; Align-GVGD: "Class C0". The tyrosine amino acid residue is found in multiple mammalian species, which suggests that this missense change does not adversely affect protein function. In summary, the available evidence is currently insufficient to determine the role of this variant in disease. Therefore, it has been classified as a Variant of Uncertain Significance. This sequence change replaces histidine, which is basic and polar, with tyrosine, which is neutral and polar, at codon 298 of the APC protein (p.His298Tyr).

Color Diagnostics, LLC DBA Color Health
Classification: Uncertain significance for Hereditary cancer-predisposing syndrome. Last evaluated: 2019-01-18. Review status: criteria provided, single submitter. Criteria: ACMG Guidelines, 2015. Collection method: clinical testing. Allele origin: germline.

Literature cited by the submitters: PubMed 29245953 (cited by Quest Diagnostics Nichols Institute San Juan Capistrano); PubMed 27153395 (cited by Quest Diagnostics Nichols Institute San Juan Capistrano).

NM_000038.6(APC):c.892C>T (p.His298Tyr)

Gene: APC (APC regulator of Wnt signaling pathway; plus strand). Cytogenetic location: 5q22.2.
Variant type: single nucleotide variant.
Coding change: c.892C>T on transcript NM_000038.6 (MANE Select); coding-DNA position 892, C replaced by T.
Protein change: p.His298Tyr; replaces histidine 298 with tyrosine.
Molecular consequence: missense variant.
Genome position (GRCh38, 1-based): chr5:112,815,552, C>T. VCF-style: chr5-112815552-C-T. GRCh37 (hg19) VCF-style: chr5-112151249-C-T.
Other names: c.892C>T, p.His298Tyr (NM_001127510.3, NM_001354895.2, NM_001354896.2 and 1 more transcripts); c.838C>T, p.His280Tyr (NM_001127511.3); c.922C>T, p.His308Tyr (NM_001354897.2, NM_001354902.2); c.817C>T, p.His273Tyr (NM_001354898.2, NM_001354904.2); c.808C>T, p.His270Tyr (NM_001354899.2); c.715C>T, p.His239Tyr (NM_001354900.2, NM_001354901.2, NM_001354905.2); c.43C>T, p.His15Tyr (NM_001354906.2); short protein forms H280Y, H298Y, H270Y, H308Y, H15Y, H239Y, H273Y.
Identifiers: ClinVar variation 630473 (VCV000630473.19), dbSNP rs1561535522, ClinGen allele CA16023269.